The following is an entry in ClinVar:

NM_001165963.4(SCN1A):c.4010T>C (p.Val1337Ala)

Genes: SCN1A (sodium voltage-gated channel alpha subunit 1; minus strand), LOC102724058 (uncharacterized LOC102724058; plus strand). Cytogenetic location: 2q24.3.
Variant type: single nucleotide variant.
Coding change: c.4010T>C on transcript NM_001165963.4 (MANE Select); coding-DNA position 4010, T replaced by C.
Protein change: p.Val1337Ala; replaces valine 1337 with alanine.
Molecular consequence: missense variant. On other transcripts: non-coding transcript variant (1).
Genome position (GRCh38, 1-based): chr2:166,002,746, A>G on the plus strand (T>C on the coding strand, the complement: SCN1A is on the minus strand). VCF-style: chr2-166002746-A-G. GRCh37 (hg19) VCF-style: chr2-166859256-A-G.
Other names: c.3926T>C, p.Val1309Ala (NM_001165964.3, NM_001353957.2, NM_001353958.2); c.4010T>C, p.Val1337Ala (NM_001202435.3, NM_001353948.2); c.3977T>C, p.Val1326Ala (NM_001353949.2, NM_001353950.2, NM_001353951.2 and 2 more transcripts); c.3974T>C, p.Val1325Ala (NM_001353954.2, NM_001353955.2); c.3923T>C, p.Val1308Ala (NM_001353960.2); c.1568T>C, p.Val523Ala (NM_001353961.2); short protein forms V1308A, V1309A, V1325A, V1326A, V1337A, V523A.
Identifiers: ClinVar variation 1018638 (VCV001018638.9), dbSNP rs794727338, ClinGen allele CA349050861.

ClinVar aggregate classification (germline): Uncertain significance (1 of 4 stars; one submission).

Conditions:
Early-infantile DEE. Also called: Ohtahara syndrome; Early infantile epileptic encephalopathy with suppression bursts; Early infantile epileptic encephalopathy. Identifiers: Orphanet 1934, MedGen C0393706, MONDO:0800491.

Submission:

Labcorp Genetics (formerly Invitae), Labcorp
Classification: Uncertain significance for Early-infantile DEE. Last evaluated: 2022-02-08. Review status: criteria provided, single submitter. Criteria: Invitae Variant Classification Sherloc (09022015). Collection method: clinical testing. Allele origin: germline.
Comment: In summary, the available evidence is currently insufficient to determine the role of this variant in disease. Therefore, it has been classified as a Variant of Uncertain Significance. Advanced modeling of protein sequence and biophysical properties (such as structural, functional, and spatial information, amino acid conservation, physicochemical variation, residue mobility, and thermodynamic stability) performed at Invitae indicates that this missense variant is expected to disrupt SCN1A protein function. ClinVar contains an entry for this variant (Variation ID: 1018638). This variant has not been reported in the literature in individuals affected with SCN1A-related conditions. This variant is not present in population databases (gnomAD no frequency). This sequence change replaces valine, which is neutral and non-polar, with alanine, which is neutral and non-polar, at codon 1337 of the SCN1A protein (p.Val1337Ala).